The following is an entry in ClinVar:

ClinVar aggregate classification (germline): Uncertain significance (1 of 4 stars; one submission).

Conditions:
KDM3B-related disorder. Also called: KDM3B-related condition.

Allele frequency attached by ClinVar (database versions not stated): gnomAD exomes below 0.00001.
gnomAD v4.1: 2 of 1,566,312 alleles (0.00013%); highest among the groups gnomAD compares: Non-Finnish European, 0.00018%; no homozygotes.

Submission:

PreventionGenetics, part of Exact Sciences
Classification: Uncertain significance for KDM3B-related condition. Last evaluated: 2023-07-10. Review status: criteria provided, single submitter. Criteria: ACMG Guidelines, 2015. Collection method: clinical testing. Allele origin: germline.
Comment: The KDM3B c.361A>G variant is predicted to result in the amino acid substitution p.Thr121Ala. To our knowledge, this variant has not been reported in the literature or in a large population database, indicating this variant is rare. At this time, the clinical significance of this variant is uncertain due to the absence of conclusive functional and genetic evidence.

NM_016604.4(KDM3B):c.361A>G (p.Thr121Ala)

Gene: KDM3B (lysine demethylase 3B; plus strand). Cytogenetic location: 5q31.2.
Variant type: single nucleotide variant.
Coding change: c.361A>G on transcript NM_016604.4 (MANE Select); coding-DNA position 361, A replaced by G.
Protein change: p.Thr121Ala; replaces threonine 121 with alanine.
Molecular consequence: missense variant.
Genome position (GRCh38, 1-based): chr5:138,375,093, A>G. VCF-style: chr5-138375093-A-G. GRCh37 (hg19) VCF-style: chr5-137710782-A-G.
Other names: short protein forms T121A.
Identifiers: ClinVar variation 2632477 (VCV002632477.1), dbSNP rs2480156742, ClinGen allele CA361095599.